The following is an entry in ClinVar:

NM_017612.5(ZCCHC8):c.1609G>C (p.Val537Leu)

Gene: ZCCHC8 (zinc finger CCHC-type containing 8; minus strand). Cytogenetic location: 12q24.31.
Variant type: single nucleotide variant.
Coding change: c.1609G>C on transcript NM_017612.5 (MANE Select); coding-DNA position 1609, G replaced by C.
Protein change: p.Val537Leu; replaces valine 537 with leucine.
Molecular consequence: missense variant.
Genome position (GRCh38, 1-based): chr12:122,474,012, C>G on the plus strand (G>C on the coding strand, the complement: ZCCHC8 is on the minus strand). VCF-style: chr12-122474012-C-G. GRCh37 (hg19) VCF-style: chr12-122958559-C-G.
Other names: c.1378G>C, p.Val460Leu (NM_001350935.2); c.1312G>C, p.Val438Leu (NM_001350936.2); c.895G>C, p.Val299Leu (NM_001350937.2, NM_001350938.2); short protein forms V299L, V537L, V438L, V460L.
Identifiers: ClinVar variation 1996307 (VCV001996307.4), dbSNP rs762319713, ClinGen allele CA387048198.

ClinVar aggregate classification (germline): Uncertain significance (1 of 4 stars; one submission).

gnomAD v4.1: 2 of 1,555,380 alleles (0.00013%); highest among the groups gnomAD compares: Admixed American, 0.004%; no homozygotes.

Submission:

Labcorp Genetics (formerly Invitae), Labcorp
Classification: Uncertain significance. Last evaluated: 2023-07-10. Review status: criteria provided, single submitter. Criteria: Invitae Variant Classification Sherloc (09022015). Collection method: clinical testing. Allele origin: germline.
Comment: In summary, the available evidence is currently insufficient to determine the role of this variant in disease. Therefore, it has been classified as a Variant of Uncertain Significance. Advanced modeling of protein sequence and biophysical properties (such as structural, functional, and spatial information, amino acid conservation, physicochemical variation, residue mobility, and thermodynamic stability) performed at Invitae indicates that this missense variant is not expected to disrupt ZCCHC8 protein function. ClinVar contains an entry for this variant (Variation ID: 1996307). This variant has not been reported in the literature in individuals affected with ZCCHC8-related conditions. This variant is not present in population databases (gnomAD no frequency). This sequence change replaces valine, which is neutral and non-polar, with leucine, which is neutral and non-polar, at codon 537 of the ZCCHC8 protein (p.Val537Leu).